The following is an entry in ClinVar:

ClinVar aggregate classification (germline): Uncertain significance. Review status: criteria provided, multiple submitters, no conflicts (2 of 4 stars). 3 submissions from 3 submitters: Uncertain significance (3). Last evaluated 2025-08-25.

Conditions:
Klippel-Feil anomaly-myopathy-facial dysmorphism syndrome. Also called: Klippel-feil syndrome 4, autosomal recessive, with nemaline myopathy and facial dysmorphism; Klippel-Feil syndrome 4, autosomal recessive, with myopathy and facial dysmorphism. Identifiers: Orphanet 447974, MedGen C4225285, MONDO:0014689, OMIM 616549.
Inborn genetic diseases. Identifiers: MedGen C0950123, MeSH D030342.

Allele frequency attached by ClinVar (database versions not stated): gnomAD exomes below 0.00001 and 0.00001; gnomAD 0.00006.
gnomAD v4.1: 16 of 1,613,728 alleles (0.00099%); highest among the groups gnomAD compares: African/African-American, 0.017%; no homozygotes.

Submissions (3):

Ambry Genetics
Classification: Uncertain significance for Inborn genetic diseases. Last evaluated: 2025-08-25. Review status: criteria provided, single submitter. Criteria: Ambry Variant Classification Scheme 2023. Collection method: clinical testing. Allele origin: germline.

Laboratorio de Genetica e Diagnostico Molecular, Hospital Israelita Albert Einstein
Classification: Uncertain significance for Klippel-Feil anomaly-myopathy-facial dysmorphism syndrome. Last evaluated: 2025-06-17. Review status: criteria provided, single submitter. Criteria: ACMG Guidelines, 2015. Collection method: clinical testing. Allele origin: germline. Affected: yes.
Comment: ACMG classification criteria: PM2 supporting, BP4 supporting

Labcorp Genetics (formerly Invitae), Labcorp
Classification: Uncertain significance. Last evaluated: 2025-03-10. Review status: criteria provided, single submitter. Criteria: Invitae Variant Classification Sherloc (09022015). Collection method: clinical testing. Allele origin: germline.
Comment: This sequence change replaces glycine, which is neutral and non-polar, with aspartic acid, which is acidic and polar, at codon 2336 of the MYO18B protein (p.Gly2336Asp). This variant is present in population databases (no rsID available, gnomAD 0.007%). This variant has not been reported in the literature in individuals affected with MYO18B-related conditions. ClinVar contains an entry for this variant (Variation ID: 1350081). An algorithm developed to predict the effect of missense changes on protein structure and function outputs the following: PolyPhen-2: "Benign". The aspartic acid amino acid residue is found in multiple mammalian species, which suggests that this missense change does not adversely affect protein function. In summary, the available evidence is currently insufficient to determine the role of this variant in disease. Therefore, it has been classified as a Variant of Uncertain Significance.

NM_032608.7(MYO18B):c.7007G>A (p.Gly2336Asp)

Gene: MYO18B (myosin XVIIIB; plus strand). Cytogenetic location: 22q12.1.
Variant type: single nucleotide variant.
Coding change: c.7007G>A on transcript NM_032608.7 (MANE Select); coding-DNA position 7007, G replaced by A.
Protein change: p.Gly2336Asp; replaces glycine 2336 with aspartic acid.
Molecular consequence: missense variant.
Genome position (GRCh38, 1-based): chr22:26,026,981, G>A. VCF-style: chr22-26026981-G-A. GRCh37 (hg19) VCF-style: chr22-26422947-G-A.
Other names: c.7007G>A (NM_032608.5); c.7010G>A, p.Gly2337Asp (NM_001318245.2); short protein forms G2336D, G2337D.
Identifiers: ClinVar variation 1350081 (VCV001350081.7), dbSNP rs867129257, ClinGen allele CA322815341.